The following is an entry in ClinVar:

NM_003482.4(KMT2D):c.12737del (p.Pro4246fs)

Gene: KMT2D (lysine methyltransferase 2D; minus strand). Cytogenetic location: 12q13.12.
Variant type: Deletion.
Coding change: c.12737del on transcript NM_003482.4 (MANE Select); coding-DNA position 12737, one base deleted (C; older notation c.12737delC).
Protein change: p.Pro4246fs; shifts the reading frame from proline 4246.
Molecular consequence: frameshift variant.
Genome position (GRCh38, 1-based): chr12:49,031,968, G deleted on the plus strand (C on the coding strand, the reverse complement: KMT2D is on the minus strand); the first of 2 consecutive G bases (chr12:49,031,968-49,031,969); deleting either gives the same sequence. VCF-style (leftmost placement, unchanged base first): chr12-49031967-AG-A. GRCh37 (hg19) VCF-style: chr12-49425750-AG-A.
Other names: short protein forms P4246fs.
Identifiers: ClinVar variation 1073455 (VCV001073455.7), dbSNP rs2120426821, ClinGen allele CA2499221713.
Genomic context (GRCh38, chr12:49,031,967, plus strand): 5'-GAAGCCCCCAAGTTGAGGTTGGCAGCCCAGGAGGCCCTGGAGGGGAGAGGTCTGGGTCCC[AG>A]GCTCCTGGTAGGGTGGGGTCTGGCGTACTGCCTGACTCTGCTGCAGCTGCCGCTGCATGA-3'

ClinVar aggregate classification (germline): Pathogenic (1 of 4 stars; one submission).

Conditions:
Kabuki syndrome. Also called: Kabuki make-up syndrome; NIIKAWA-KUROKI SYNDROME. Identifiers: Orphanet 2322, MedGen C0796004, MONDO:0016512.

Submission:

Labcorp Genetics (formerly Invitae), Labcorp
Classification: Pathogenic for Kabuki syndrome. Last evaluated: 2017-12-31. Review status: criteria provided, single submitter. Criteria: Invitae Variant Classification Sherloc (09022015). Collection method: clinical testing. Allele origin: germline.
Comment: For these reasons, this variant has been classified as Pathogenic. Loss-of-function variants in KMT2D are known to be pathogenic (PMID: 22126750). This variant has not been reported in the literature in individuals with KMT2D-related disease. This variant is not present in population databases (ExAC no frequency). This sequence change creates a premature translational stop signal (p.Pro4246Leufs*32) in the KMT2D gene. It is expected to result in an absent or disrupted protein product.

Literature cited by the submitters: PubMed 22126750.